The following is an entry in ClinVar:

ClinVar aggregate classification (germline): Uncertain significance (1 of 4 stars; one submission).

Conditions:
Beta-D-mannosidosis (MANSB). Also called: MANNOSIDOSIS, BETA A, LYSOSOMAL; BETA-MANNOSIDASE DEFICIENCY; LYSOSOMAL BETA-MANNOSIDASE DEFICIENCY; Beta-Mannosidosis. Identifiers: Orphanet 118, MedGen C4048196, MONDO:0009562, OMIM 248510.

Allele frequency attached by ClinVar (database versions not stated): 1000 Genomes Project 30x 0.00031; ESP Exome Variant Server 0.00038; 1000 Genomes Project 0.00040.
gnomAD v4.1: 69 of 1,612,666 alleles (0.0043%); highest among the groups gnomAD compares: African/African-American, 0.064%; no homozygotes.

Submission:

Labcorp Genetics (formerly Invitae), Labcorp
Classification: Uncertain significance for Beta-D-mannosidosis. Last evaluated: 2022-08-15. Review status: criteria provided, single submitter. Criteria: Invitae Variant Classification Sherloc (09022015). Collection method: clinical testing. Allele origin: germline.
Comment: This sequence change replaces arginine, which is basic and polar, with tryptophan, which is neutral and slightly polar, at codon 474 of the MANBA protein (p.Arg474Trp). This variant is present in population databases (rs141230920, gnomAD 0.08%). This variant has not been reported in the literature in individuals affected with MANBA-related conditions. ClinVar contains an entry for this variant (Variation ID: 1364204). Algorithms developed to predict the effect of missense changes on protein structure and function are either unavailable or do not agree on the potential impact of this missense change (SIFT: "Deleterious"; PolyPhen-2: "Possibly Damaging"; Align-GVGD: "Class C0"). In summary, the available evidence is currently insufficient to determine the role of this variant in disease. Therefore, it has been classified as a Variant of Uncertain Significance.

NM_005908.4(MANBA):c.1420C>T (p.Arg474Trp)

Gene: MANBA (mannosidase beta; minus strand). Cytogenetic location: 4q24.
Variant type: single nucleotide variant.
Coding change: c.1420C>T on transcript NM_005908.4 (MANE Select); coding-DNA position 1420, C replaced by T.
Protein change: p.Arg474Trp; replaces arginine 474 with tryptophan.
Molecular consequence: missense variant.
Genome position (GRCh38, 1-based): chr4:102,664,750, G>A on the plus strand (C>T on the coding strand, the complement: MANBA is on the minus strand). VCF-style: chr4-102664750-G-A. GRCh37 (hg19) VCF-style: chr4-103585907-G-A.
Other names: short protein forms R474W.
Identifiers: ClinVar variation 1364204 (VCV001364204.3), dbSNP rs141230920, ClinGen allele CA3026916.